The following is an entry in ClinVar:

ClinVar aggregate classification (germline): Uncertain significance. Review status: criteria provided, multiple submitters, no conflicts (2 of 4 stars). 2 submissions from 2 submitters: Uncertain significance (2). Last evaluated 2026-06-09.

Conditions:
ALG1-congenital disorder of glycosylation. Also called: ALG1-CDG; CONGENITAL DISORDER OF GLYCOSYLATION, TYPE Ik; CDG Ik. Identifiers: Orphanet 79327, MedGen C2931005, MONDO:0012052, OMIM 608540.

Allele frequency attached by ClinVar (database versions not stated): TOPMed 0.00001; gnomAD exomes 0.00001; ExAC 0.00001.

Submissions (2):

Institute of Human Genetics, University of Leipzig Medical Center
Classification: Uncertain significance for ALG1-congenital disorder of glycosylation. Last evaluated: 2026-06-09. Review status: criteria provided, single submitter. Criteria: ACMG Guidelines, 2015. Collection method: clinical testing. Allele origin: paternal. Inheritance: Autosomal recessive inheritance. Affected: yes.
Comment: Criteria applied: PM2,PM3,PP3

Institute for Clinical Genetics, University Hospital TU Dresden, University Hospital TU Dresden
Classification: Uncertain significance. Last evaluated: 2021-11-03. Review status: criteria provided, single submitter. Criteria: ACMG Guidelines, 2015. Collection method: clinical testing. Allele origin: germline.

NM_019109.5(ALG1):c.544G>A (p.Glu182Lys)

Gene: ALG1 (ALG1 chitobiosyldiphosphodolichol beta-mannosyltransferase; plus strand). Cytogenetic location: 16p13.3.
Variant type: single nucleotide variant.
Coding change: c.544G>A on transcript NM_019109.5 (MANE Select); coding-DNA position 544, G replaced by A.
Protein change: p.Glu182Lys; replaces glutamic acid 182 with lysine.
Molecular consequence: missense variant.
Genome position (GRCh38, 1-based): chr16:5,077,449, G>A. VCF-style: chr16-5077449-G-A. GRCh37 (hg19) VCF-style: chr16-5127450-G-A.
Other names: c.211G>A, p.Glu71Lys (NM_001330504.2); short protein forms E182K, E71K.
Identifiers: ClinVar variation 1319710 (VCV001319710.4), dbSNP rs781135914, ClinGen allele CA7889888.